The following is an entry in ClinVar:

ClinVar aggregate classification (germline): Likely benign. Review status: criteria provided, single submitter (1 of 4 stars). 2 submissions from 2 submitters: Likely benign (1). 1 of the submissions does not count toward it. Last evaluated 2026-01-18.

Conditions:
BBS2-related disorder. Also called: BBS2-related condition; BBS2-related disorders. Identifiers: MedGen CN239228.
Bardet-Biedl syndrome (BBS). Identifiers: Orphanet 110, MedGen C0752166, MONDO:0015229.

Allele frequency attached by ClinVar (database versions not stated): gnomAD exomes 0.00001.
gnomAD v4.1: 15 of 1,608,208 alleles (0.00093%); highest among the groups gnomAD compares: Non-Finnish European, 0.0012%; no homozygotes.

Submissions (2):

Labcorp Genetics (formerly Invitae), Labcorp
Classification: Likely benign for Bardet-Biedl syndrome. Last evaluated: 2026-01-18. Review status: criteria provided, single submitter. Criteria: Invitae Variant Classification Sherloc (09022015). Collection method: clinical testing. Allele origin: germline.

PreventionGenetics, part of Exact Sciences
Classification: Likely benign for BBS2-related condition. Last evaluated: 2024-08-14. Review status: no assertion criteria provided. Collection method: clinical testing. Allele origin: germline. Not counted in ClinVar's aggregate classification.
Comment: This variant is classified as likely benign based on ACMG/AMP sequence variant interpretation guidelines (Richards et al. 2015 PMID: 25741868, with internal and published modifications).

NM_031885.5(BBS2):c.2060-8T>C

Gene: BBS2 (Bardet-Biedl syndrome 2; minus strand). Cytogenetic location: 16q13.
Variant type: single nucleotide variant.
Coding change: c.2060-8T>C on transcript NM_031885.5 (MANE Select); 8 bases into the intron before coding-DNA position 2060, T replaced by C.
Molecular consequence: intron variant.
Genome position (GRCh38, 1-based): chr16:56,484,875, A>G on the plus strand (T>C on the coding strand, the complement: BBS2 is on the minus strand). VCF-style: chr16-56484875-A-G. GRCh37 (hg19) VCF-style: chr16-56518787-A-G.
Other names: c.2060-8T>C (NM_001377456.1, NM_031885.3).
Identifiers: ClinVar variation 1100052 (VCV001100052.10), dbSNP rs2144093365, ClinGen allele CA2499223574.